The following is an entry in ClinVar:

ClinVar aggregate classification (germline): Benign/Likely benign. Review status: criteria provided, multiple submitters, no conflicts (2 of 4 stars). 5 submissions from 5 submitters: Benign (1); Likely benign (4). Last evaluated 2025-09-27.

Conditions:
Hereditary cancer-predisposing syndrome. Also called: Neoplastic Syndromes, Hereditary; Tumor predisposition; Hereditary Cancer Syndrome; Hereditary neoplastic syndrome. Identifiers: Orphanet 140162, MedGen C0027672, MeSH D009386, MONDO:0015356.
Familial cancer of breast. Also called: BREAST CANCER, FAMILIAL; Hereditary breast cancer; hereditary breast carcinoma. Identifiers: Orphanet 227535, MedGen C0346153, MONDO:0016419, OMIM 114480. Disease mechanism: loss of function.

Allele frequency attached by ClinVar (database versions not stated): gnomAD exomes below 0.00001.
gnomAD v4.1: 1 of 1,613,938 alleles (0.000062%); highest among the groups gnomAD compares: Non-Finnish European, 0.000085%; no homozygotes.

Submissions (5):

Labcorp Genetics (formerly Invitae), Labcorp
Classification: Likely benign for Familial cancer of breast. Last evaluated: 2025-09-27. Review status: criteria provided, single submitter. Criteria: Invitae Variant Classification Sherloc (09022015). Collection method: clinical testing. Allele origin: germline.

Myriad Genetics, Inc.
Classification: Benign for Familial cancer of breast. Last evaluated: 2024-10-01. Review status: criteria provided, single submitter. Criteria: Myriad Autosomal Dominant, Autosomal Recessive and X-Linked Classification Criteria (2023). Collection method: clinical testing. Allele origin: unknown.
Comment: This variant is considered benign. This variant is a silent/synonymous amino acid change and it is not expected to impact splicing.

Color Diagnostics, LLC DBA Color Health
Classification: Likely benign for Hereditary cancer-predisposing syndrome. Last evaluated: 2019-11-19. Review status: criteria provided, single submitter. Criteria: ACMG Guidelines, 2015. Collection method: clinical testing. Allele origin: germline.

GeneDx
Classification: Likely benign. Last evaluated: 2018-07-09. Review status: criteria provided, single submitter. Criteria: GeneDx Variant Classification Process June 2021. Collection method: clinical testing. Allele origin: germline. Affected: yes.
Comment: This variant is associated with the following publications: (PMID: 16481012)

Ambry Genetics
Classification: Likely benign for Hereditary cancer-predisposing syndrome. Last evaluated: 2014-10-14. Review status: criteria provided, single submitter. Criteria: Ambry Variant Classification Scheme 2023. Collection method: clinical testing. Allele origin: germline.

NM_007194.4(CHEK2):c.186C>T (p.Ser62=)

Gene: CHEK2 (checkpoint kinase 2; minus strand). Cytogenetic location: 22q12.1.
Variant type: single nucleotide variant.
Coding change: c.186C>T on transcript NM_007194.4 (MANE Select); coding-DNA position 186, C replaced by T.
Protein change: p.Ser62=; no amino-acid change (serine 62 retained).
Molecular consequence: synonymous variant.
Genome position (GRCh38, 1-based): chr22:28,734,536, G>A on the plus strand (C>T on the coding strand, the complement: CHEK2 is on the minus strand). VCF-style: chr22-28734536-G-A. GRCh37 (hg19) VCF-style: chr22-29130524-G-A.
Other names: c.186C>T, p.Ser62= (NM_001005735.3, NM_001349956.3, NM_145862.3); c.-592C>T (NM_001257387.3).
Identifiers: ClinVar variation 186537 (VCV000186537.21), dbSNP rs786203025, ClinGen allele CA195113.